The following is an entry in ClinVar:

NM_000702.4(ATP1A2):c.619C>T (p.His207Tyr)

Genes: ATP1A2 (ATPase Na+/K+ transporting subunit alpha 2; plus strand), LOC126805890 (CDK7 strongly-dependent group 2 enhancer GRCh37_chr1:160093987-160095186; plus strand). Cytogenetic location: 1q23.2.
Variant type: single nucleotide variant.
Coding change: c.619C>T on transcript NM_000702.4 (MANE Select); coding-DNA position 619, C replaced by T.
Protein change: p.His207Tyr; replaces histidine 207 with tyrosine.
Molecular consequence: missense variant.
Genome position (GRCh38, 1-based): chr1:160,124,419, C>T. VCF-style: chr1-160124419-C-T. GRCh37 (hg19) VCF-style: chr1-160094209-C-T.
Other names: short protein forms H207Y.
Identifiers: ClinVar variation 390538 (VCV000390538.7), dbSNP rs1057523810, ClinGen allele CA16603462.

ClinVar aggregate classification (germline): Uncertain significance. Review status: criteria provided, multiple submitters, no conflicts (2 of 4 stars). 2 submissions from 2 submitters: Uncertain significance (2). Last evaluated 2022-03-18.

Conditions:
Familial hemiplegic migraine. Identifiers: MedGen C0338484, MONDO:0000700.

Allele frequency attached by ClinVar (database versions not stated): gnomAD exomes below 0.00001.
gnomAD v4.1: 2 of 1,608,866 alleles (0.00012%); highest among the groups gnomAD compares: Non-Finnish European, 0.00017%; no homozygotes.

Submissions (2):

Labcorp Genetics (formerly Invitae), Labcorp
Classification: Uncertain significance for Familial hemiplegic migraine. Last evaluated: 2022-03-18. Review status: criteria provided, single submitter. Criteria: Invitae Variant Classification Sherloc (09022015). Collection method: clinical testing. Allele origin: germline.
Comment: This sequence change replaces histidine, which is basic and polar, with tyrosine, which is neutral and polar, at codon 207 of the ATP1A2 protein (p.His207Tyr). The frequency data for this variant in the population databases is considered unreliable, as metrics indicate poor data quality at this position in the gnomAD database. This variant has not been reported in the literature in individuals affected with ATP1A2-related conditions. ClinVar contains an entry for this variant (Variation ID: 390538). Advanced modeling of protein sequence and biophysical properties (such as structural, functional, and spatial information, amino acid conservation, physicochemical variation, residue mobility, and thermodynamic stability) performed at Invitae indicates that this missense variant is not expected to disrupt ATP1A2 protein function. In summary, the available evidence is currently insufficient to determine the role of this variant in disease. Therefore, it has been classified as a Variant of Uncertain Significance.

GeneDx
Classification: Uncertain significance. Last evaluated: 2016-10-28. Review status: criteria provided, single submitter. Criteria: GeneDx Variant Classification (06012015). Collection method: clinical testing. Allele origin: germline. Affected: yes.
Comment: A variant of uncertain significance has been identified in the ATP1A2 gene. The H207Y variant has not been published as a pathogenic variant, nor has it been reported as a benign variant to our knowledge. It was not observed in approximately 6,500 individuals of European and African American ancestry in the NHLBI Exome Sequencing Project, indicating it is not a common benign variant in these populations. The H207Y variant is a non-conservative amino acid substitution, which is likely to impact secondary protein structure as these residues differ in polarity, charge, size and/or other properties. This substitution occurs at a position that is conserved in mammals. In silico analysis is inconsistent in its predictions as to whether or not the variant is damaging to the protein structure/function. A missense variant in a nearby residue (R202Q) has been reported in the Human Gene Mutation Database in association with Hemiplegic migraine 2 (Stenson et al., 2014). Therefore, based on the currently available information, it is unclear whether this variant is a pathogenic variant or a rare benign variant.